The following is an entry in ClinVar:

ClinVar aggregate classification (germline): Uncertain significance (1 of 4 stars; one submission).

Conditions:
Dilated cardiomyopathy 1JJ (CMD1JJ). Identifiers: Orphanet 154, MedGen C3808935, MONDO:0014095, OMIM 615235.

Submission:

Labcorp Genetics (formerly Invitae), Labcorp
Classification: Uncertain significance for Dilated cardiomyopathy 1JJ. Last evaluated: 2024-05-22. Review status: criteria provided, single submitter. Criteria: Invitae Variant Classification Sherloc (09022015). Collection method: clinical testing. Allele origin: germline.
Comment: This sequence change replaces leucine, which is neutral and non-polar, with phenylalanine, which is neutral and non-polar, at codon 665 of the LAMA4 protein (p.Leu665Phe). This variant is not present in population databases (gnomAD no frequency). This variant has not been reported in the literature in individuals affected with LAMA4-related conditions. An algorithm developed to predict the effect of missense changes on protein structure and function (PolyPhen-2) suggests that this variant is likely to be disruptive. In summary, the available evidence is currently insufficient to determine the role of this variant in disease. Therefore, it has been classified as a Variant of Uncertain Significance.

NM_001105206.3(LAMA4):c.2014C>T (p.Leu672Phe)

Gene: LAMA4 (laminin subunit alpha 4; minus strand). Cytogenetic location: 6q21.
Variant type: single nucleotide variant.
Coding change: c.2014C>T on transcript NM_001105206.3 (MANE Select); coding-DNA position 2014, C replaced by T.
Protein change: p.Leu672Phe; replaces leucine 672 with phenylalanine.
Molecular consequence: missense variant.
Genome position (GRCh38, 1-based): chr6:112,154,893, G>A on the plus strand (C>T on the coding strand, the complement: LAMA4 is on the minus strand). VCF-style: chr6-112154893-G-A. GRCh37 (hg19) VCF-style: chr6-112476095-G-A.
Other names: c.1993C>T, p.Leu665Phe (NM_001105207.3, NM_002290.5); short protein forms L665F, L672F.
Identifiers: ClinVar variation 3626613 (VCV003626613.2).
Genomic context (GRCh38, chr6:112,154,893, plus strand): 5'-GAAAGTGAAGATATTTACTAGACTCTGCCTTTGCTTGCAGTTCTCTGGCTTGATTGAGGA[G>A]GTTCTCACTTTCATCTTTATGGTAAATGATTTGAGTATCAATCCCACTCACCGCCTACAA-3'
Protein context (NP_001098676.2, residues 662-682): IIYHKDESEN[Leu672Phe]LNQARELQAK